The following is an entry in ClinVar:

ClinVar aggregate classification (germline): Uncertain significance. Review status: criteria provided, multiple submitters, no conflicts (2 of 4 stars). 3 submissions from 3 submitters: Uncertain significance (3). Last evaluated 2026-01-11.

Conditions:
Ehlers-Danlos syndrome, classic type, 1 (EDSCL1). Also called: EDS I; EHLERS-DANLOS SYNDROME, GRAVIS TYPE; EHLERS-DANLOS SYNDROME, SEVERE CLASSIC TYPE; Ehlers-Danlos Syndrome, Classic Type, COL5A1-Related; Ehlers-Danlos syndrome, type 1. Identifiers: MedGen C0268335, MONDO:0019567, OMIM 130000.
Familial thoracic aortic aneurysm and aortic dissection (TAAD). Also called: Thoracic aortic aneurysms and dissections. Identifiers: Orphanet 91387, MedGen C4707243, MONDO:0019625.

Allele frequency attached by ClinVar (database versions not stated): gnomAD 0.00002; TOPMed 0.00001.
gnomAD v4.1: 21 of 1,613,874 alleles (0.0013%); highest among the groups gnomAD compares: African/African-American, 0.0027%; no homozygotes.

Submissions (3):

Labcorp Genetics (formerly Invitae), Labcorp
Classification: Uncertain significance for Ehlers-Danlos syndrome, classic type, 1. Last evaluated: 2026-01-11. Review status: criteria provided, single submitter. Criteria: Invitae Variant Classification Sherloc (09022015). Collection method: clinical testing. Allele origin: germline.
Comment: This sequence change replaces proline, which is neutral and non-polar, with leucine, which is neutral and non-polar, at codon 1569 of the COL5A1 protein (p.Pro1569Leu). This variant is present in population databases (no rsID available, gnomAD 0.0008%). This variant has not been reported in the literature in individuals affected with COL5A1-related conditions. ClinVar contains an entry for this variant (Variation ID: 642207). Invitae Evidence Modeling of protein sequence and biophysical properties (such as structural, functional, and spatial information, amino acid conservation, physicochemical variation, residue mobility, and thermodynamic stability) has been performed for this missense variant. However, the output from this modeling did not meet the statistical confidence thresholds required to predict the impact of this variant on COL5A1 protein function. In summary, the available evidence is currently insufficient to determine the role of this variant in disease. Therefore, it has been classified as a Variant of Uncertain Significance.

Ambry Genetics
Classification: Uncertain significance for Familial thoracic aortic aneurysm and aortic dissection. Last evaluated: 2025-05-20. Review status: criteria provided, single submitter. Criteria: Ambry Variant Classification Scheme 2023. Collection method: clinical testing. Allele origin: germline.
Comment: The p.P1569L variant (also known as c.4706C>T), located in coding exon 62 of the COL5A1 gene, results from a C to T substitution at nucleotide position 4706. The proline at codon 1569 is replaced by leucine, an amino acid with similar properties. This amino acid position is highly conserved in available vertebrate species. In addition, the in silico prediction for this alteration is inconclusive. Based on the available evidence, the clinical significance of this variant remains unclear.

MGZ Medical Genetics Center
Classification: Uncertain significance for Ehlers-Danlos syndrome, classic type, 1. Last evaluated: 2022-03-14. Review status: criteria provided, single submitter. Criteria: ACMG Guidelines, 2015. Collection method: clinical testing. Allele origin: germline. Affected: yes. Observed: 1 variant allele.
Comment: ACMG criteria applied: PM2_SUP, PP3

NM_000093.5(COL5A1):c.4706C>T (p.Pro1569Leu)

Genes: COL5A1 (collagen type V alpha 1 chain; plus strand), LOC101448202 (uncharacterized LOC101448202; minus strand). Cytogenetic location: 9q34.3.
Variant type: single nucleotide variant.
Coding change: c.4706C>T on transcript NM_000093.5 (MANE Select); coding-DNA position 4706, C replaced by T.
Protein change: p.Pro1569Leu; replaces proline 1569 with leucine.
Molecular consequence: missense variant.
Genome position (GRCh38, 1-based): chr9:134,824,607, C>T. VCF-style: chr9-134824607-C-T. GRCh37 (hg19) VCF-style: chr9-137716453-C-T.
Other names: c.4706C>T, p.Pro1569Leu (NM_001278074.1); c.4706C>T (NM_000093.3); short protein forms P1569L.
Identifiers: ClinVar variation 642207 (VCV000642207.11), dbSNP rs1297565068, ClinGen allele CA375458286.